The following is an entry in ClinVar:

ClinVar aggregate classification (germline): Conflicting classifications of pathogenicity. Review status: criteria provided, conflicting classifications (1 of 4 stars). 6 submissions from 6 submitters: Uncertain significance (5); Likely benign (1). Last evaluated 2026-08-06.

Conditions:
Hereditary breast ovarian cancer syndrome. Also called: Hereditary breast and ovarian cancer syndrome; Hereditary breast and/or ovarian cancer syndrome; BRCA1- and BRCA2-Associated Hereditary Breast and Ovarian Cancer; Breast and ovarian cancer; Hereditary breast and ovarian cancer; Hereditary breast and ovarian cancer syndrome (HBOC). Identifiers: Orphanet 145, MedGen C0677776, MeSH D061325, MONDO:0003582. Disease mechanism: loss of function.
Cockayne syndrome type 2 (CSB). Also called: Cockayne Syndrome, Type II; COCKAYNE SYNDROME B. Identifiers: Orphanet 191, Orphanet 90322, MedGen C0751038, MONDO:0019570, OMIM 133540.

Allele frequency attached by ClinVar (database versions not stated): gnomAD exomes 0.00014 and 0.00024; gnomAD 0.00020 and 0.00021; ESP Exome Variant Server 0.00023; TOPMed 0.00031; ExAC 0.00032; 1000 Genomes Project 0.00060; 1000 Genomes Project 30x 0.00062.
gnomAD v4.1: 236 of 1,614,018 alleles (0.015%); highest among the groups gnomAD compares: Middle Eastern, 0.099%; no homozygotes.

Submissions (6):

OLLIN Analises Genomicas, OLLIN
Classification: Uncertain significance for Cockayne syndrome type 2. Last evaluated: 2026-08-06. Review status: criteria provided, single submitter. Criteria: ACMG Guidelines 2015 PMID 25741868. Collection method: clinical testing. Allele origin: germline.
Comment: This missense variant, located in exon 8 (of 21), has been reported in ClinVar (accession VCV000981820.12) and in gnomAD with an allele frequency of 0.015%. However, to our knowledge, it has not been reported in the scientific literature. In silico analysis predicts that this variant has a deleterious effect. This gene has high tolerance to missense variation. According to the currently available evidence, this variant has been classified as uncertain significance (PM2_P, PP3, BP1).

Labcorp Genetics (formerly Invitae), Labcorp
Classification: Likely benign. Last evaluated: 2026-01-28. Review status: criteria provided, single submitter. Criteria: Invitae Variant Classification Sherloc (09022015). Collection method: clinical testing. Allele origin: germline.

GeneDx
Classification: Uncertain significance. Last evaluated: 2025-07-02. Review status: criteria provided, single submitter. Criteria: GeneDx Variant Classification Process June 2021. Collection method: clinical testing. Allele origin: germline. Affected: yes.
Comment: In silico analysis supports that this missense variant has a deleterious effect on protein structure/function; Has not been previously published as pathogenic or benign to our knowledge

Blueprint Genetics
Classification: Uncertain significance. Last evaluated: 2023-06-07. Review status: criteria provided, single submitter. Criteria: ACMG Guidelines, 2015. Collection method: clinical testing. Allele origin: germline.

Mayo Clinic Laboratories, Mayo Clinic
Classification: Uncertain significance. Last evaluated: 2021-02-16. Review status: criteria provided, single submitter. Criteria: ACMG Guidelines, 2015. Collection method: clinical testing. Allele origin: germline. Observed: 1 variant allele.

Molecular Oncology Research Center, Barretos Cancer Hospital
Classification: Uncertain significance for Hereditary breast ovarian cancer syndrome. Last evaluated: 2020-08-01. Review status: criteria provided, single submitter. Criteria: ACMG Guidelines, 2015. Collection method: research. Allele origin: germline. Affected: yes. Observed: 1 variant allele.

NM_000124.4(ERCC6):c.1801G>A (p.Gly601Ser)

Gene: ERCC6 (ERCC excision repair 6, chromatin remodeling factor; minus strand). Cytogenetic location: 10q11.23.
Variant type: single nucleotide variant.
Coding change: c.1801G>A on transcript NM_000124.4 (MANE Select); coding-DNA position 1801, G replaced by A.
Protein change: p.Gly601Ser; replaces glycine 601 with serine.
Molecular consequence: missense variant.
Genome position (GRCh38, 1-based): chr10:49,493,137, C>T on the plus strand (G>A on the coding strand, the complement: ERCC6 is on the minus strand). VCF-style: chr10-49493137-C-T. GRCh37 (hg19) VCF-style: chr10-50701183-C-T.
Other names: c.1801G>A (NM_000124.2); c.1801G>A, p.Gly601Ser (NM_001346440.2); short protein forms G601S.
Identifiers: ClinVar variation 981820 (VCV000981820.14), dbSNP rs138758064, ClinGen allele CA5495863.